The following is an entry in ClinVar:

NM_003000.3(SDHB):c.831A>T (p.Lys277Asn)

Gene: SDHB (succinate dehydrogenase complex iron sulfur subunit B; minus strand). Cytogenetic location: 1p36.13.
Variant type: single nucleotide variant.
Coding change: c.831A>T on transcript NM_003000.3 (MANE Select); coding-DNA position 831, A replaced by T.
Protein change: p.Lys277Asn; replaces lysine 277 with asparagine.
Molecular consequence: missense variant.
Genome position (GRCh38, 1-based): chr1:17,018,893, T>A on the plus strand (A>T on the coding strand, the complement: SDHB is on the minus strand). VCF-style: chr1-17018893-T-A. GRCh37 (hg19) VCF-style: chr1-17345388-T-A.
Other names: c.777A>T, p.Lys259Asn (NM_001407361.1); short protein forms K277N, K259N.
Identifiers: ClinVar variation 3438766 (VCV003438766.1).

ClinVar aggregate classification (germline): Uncertain significance (1 of 4 stars; one submission).

Conditions:
Hereditary cancer-predisposing syndrome. Also called: Tumor predisposition; Neoplastic Syndromes, Hereditary; Hereditary neoplastic syndrome; Hereditary Cancer Syndrome. Identifiers: Orphanet 140162, MedGen C0027672, MeSH D009386, MONDO:0015356.

Submission:

Ambry Genetics
Classification: Uncertain significance for Hereditary cancer-predisposing syndrome. Last evaluated: 2024-10-14. Review status: criteria provided, single submitter. Criteria: Ambry Variant Classification Scheme 2023. Collection method: clinical testing. Allele origin: germline.
Comment: The p.K277N variant (also known as c.831A>T), located in coding exon 8 of the SDHB gene, results from an A to T substitution at nucleotide position 831. The lysine at codon 277 is replaced by asparagine, an amino acid with similar properties. This amino acid position is conserved. In addition, this alteration is predicted to be tolerated by in silico analysis. Based on the available evidence, the clinical significance of this variant remains unclear.